The following is an entry in ClinVar:

NM_012448.4(STAT5B):c.220C>A (p.His74Asn)

Gene: STAT5B (signal transducer and activator of transcription 5B; minus strand). Cytogenetic location: 17q21.2.
Variant type: single nucleotide variant.
Coding change: c.220C>A on transcript NM_012448.4 (MANE Select); coding-DNA position 220, C replaced by A.
Protein change: p.His74Asn; replaces histidine 74 with asparagine.
Molecular consequence: missense variant.
Genome position (GRCh38, 1-based): chr17:42,227,594, G>T on the plus strand (C>A on the coding strand, the complement: STAT5B is on the minus strand). VCF-style: chr17-42227594-G-T. GRCh37 (hg19) VCF-style: chr17-40379612-G-T.
Other names: short protein forms H74N.
Identifiers: ClinVar variation 3369835 (VCV003369835.1).

ClinVar aggregate classification (germline): Uncertain significance (1 of 4 stars; one submission).

Submission:

GeneDx
Classification: Uncertain significance. Last evaluated: 2024-03-04. Review status: criteria provided, single submitter. Criteria: GeneDx Variant Classification Process June 2021. Collection method: clinical testing. Allele origin: germline. Affected: yes.
Comment: Not observed at significant frequency in large population cohorts (gnomAD); In silico analysis supports that this missense variant does not alter protein structure/function; Has not been previously published as pathogenic or benign to our knowledge